The following is an entry in ClinVar:

ClinVar aggregate classification (germline): Uncertain significance (1 of 4 stars; one submission).

Allele frequency attached by ClinVar (database versions not stated): gnomAD exomes 0.00001 and 0.00008; gnomAD 0.00004 and 0.00005; TOPMed 0.00006; ExAC 0.00010.
gnomAD v4.1: 20 of 1,612,558 alleles (0.0012%); highest among the groups gnomAD compares: East Asian, 0.042%; no homozygotes.

Submission:

Labcorp Genetics (formerly Invitae), Labcorp
Classification: Uncertain significance. Last evaluated: 2021-07-07. Review status: criteria provided, single submitter. Criteria: Invitae Variant Classification Sherloc (09022015). Collection method: clinical testing. Allele origin: germline.
Comment: This sequence change falls in intron 13 of the ADAMTS18 gene. It does not directly change the encoded amino acid sequence of the ADAMTS18 protein. It affects a nucleotide within the consensus splice site of the intron. This variant is present in population databases (rs762599547, ExAC 0.1%). This variant has not been reported in the literature in individuals with ADAMTS18-related conditions. Nucleotide substitutions within the consensus splice site are a relatively common cause of aberrant splicing (PMID: 17576681, 9536098). Experimental studies and prediction algorithms are not available or were not evaluated, and the effect of this variant on mRNA splicing is currently unknown. In summary, the available evidence is currently insufficient to determine the role of this variant in disease. Therefore, it has been classified as a Variant of Uncertain Significance.

Literature cited by the submitters: PubMed 17576681; PubMed 9536098.

NM_199355.4(ADAMTS18):c.2032+5T>C

Gene: ADAMTS18 (ADAM metallopeptidase with thrombospondin type 1 motif 18; minus strand). Cytogenetic location: 16q23.1.
Variant type: single nucleotide variant.
Coding change: c.2032+5T>C on transcript NM_199355.4 (MANE Select); 5 bases into the intron after coding-DNA position 2032, T replaced by C.
Molecular consequence: intron variant.
Genome position (GRCh38, 1-based): chr16:77,325,861, A>G on the plus strand (T>C on the coding strand, the complement: ADAMTS18 is on the minus strand). VCF-style: chr16-77325861-A-G. GRCh37 (hg19) VCF-style: chr16-77359758-A-G.
Other names: c.1516+5T>C (NM_001326358.2).
Identifiers: ClinVar variation 1494894 (VCV001494894.3), dbSNP rs762599547, ClinGen allele CA8181092.